The following is an entry in ClinVar:

ClinVar aggregate classification (germline): Uncertain significance. Review status: criteria provided, multiple submitters, no conflicts (2 of 4 stars). 2 submissions from 2 submitters: Uncertain significance (2). Last evaluated 2025-03-02.

Allele frequency attached by ClinVar (database versions not stated): gnomAD exomes below 0.00001.
gnomAD v4.1: 7 of 1,604,860 alleles (0.00044%); highest among the groups gnomAD compares: Non-Finnish European, 0.0006%; no homozygotes.

Submissions (2):

Labcorp Genetics (formerly Invitae), Labcorp
Classification: Uncertain significance. Last evaluated: 2025-03-02. Review status: criteria provided, single submitter. Criteria: Invitae Variant Classification Sherloc (09022015). Collection method: clinical testing. Allele origin: germline.
Comment: This sequence change replaces serine, which is neutral and polar, with proline, which is neutral and non-polar, at codon 307 of the GALNT12 protein (p.Ser307Pro). This variant is present in population databases (no rsID available, gnomAD 0.0009%). This variant has not been reported in the literature in individuals affected with GALNT12-related conditions. ClinVar contains an entry for this variant (Variation ID: 823089). An algorithm developed to predict the effect of missense changes on protein structure and function (PolyPhen-2) suggests that this variant is likely to be disruptive. In summary, the available evidence is currently insufficient to determine the role of this variant in disease. Therefore, it has been classified as a Variant of Uncertain Significance.

Ambry Genetics
Classification: Uncertain significance. Last evaluated: 2024-05-28. Review status: criteria provided, single submitter. Criteria: Ambry Variant Classification Scheme 2023. Collection method: clinical testing. Allele origin: germline.
Comment: The p.S307P variant (also known as c.919T>C), located in coding exon 5 of the GALNT12 gene, results from a T to C substitution at nucleotide position 919. The serine at codon 307 is replaced by proline, an amino acid with similar properties. This amino acid position is highly conserved in available vertebrate species. In addition, this alteration is predicted to be deleterious by in silico analysis. Since supporting evidence is limited at this time, the clinical significance of this alteration remains unclear.

NM_024642.5(GALNT12):c.919T>C (p.Ser307Pro)

Gene: GALNT12 (polypeptide N-acetylgalactosaminyltransferase 12; plus strand). Cytogenetic location: 9q22.33.
Variant type: single nucleotide variant.
Coding change: c.919T>C on transcript NM_024642.5 (MANE Select); coding-DNA position 919, T replaced by C.
Protein change: p.Ser307Pro; replaces serine 307 with proline.
Molecular consequence: missense variant.
Genome position (GRCh38, 1-based): chr9:98,835,250, T>C. VCF-style: chr9-98835250-T-C. GRCh37 (hg19) VCF-style: chr9-101597532-T-C.
Other names: short protein forms S307P.
Identifiers: ClinVar variation 823089 (VCV000823089.13), dbSNP rs1313362587, ClinGen allele CA374219319.